The following is an entry in ClinVar:

NM_002454.3(MTRR):c.402-2A>G

Gene: MTRR (5-methyltetrahydrofolate-homocysteine methyltransferase reductase; plus strand). Cytogenetic location: 5p15.31.
Variant type: single nucleotide variant.
Coding change: c.402-2A>G on transcript NM_002454.3 (MANE Select); the canonical splice acceptor site of the intron before coding-DNA position 402, A replaced by G.
Molecular consequence: splice acceptor variant.
Genome position (GRCh38, 1-based): chr5:7,877,942, A>G. VCF-style: chr5-7877942-A-G. GRCh37 (hg19) VCF-style: chr5-7878055-A-G.
Other names: c.402-2A>G (NM_001364440.2, NM_001364441.2, NM_001364442.2 and 2 more transcripts).
Identifiers: ClinVar variation 1493171 (VCV001493171.7), dbSNP rs2126692827, ClinGen allele CA359156653.

ClinVar aggregate classification (germline): Likely pathogenic. Review status: criteria provided, multiple submitters, no conflicts (2 of 4 stars). 2 submissions from 2 submitters: Likely pathogenic (2). Last evaluated 2026-08-31.

Conditions:
Methylcobalamin deficiency type cblE (HMAE). Also called: HOMOCYSTINURIA-MEGALOBLASTIC ANEMIA, cblE COMPLEMENTATION TYPE; VITAMIN B12-RESPONSIVE HOMOCYSTINURIA, cblE TYPE; HOMOCYSTINURIA-MEGALOBLASTIC ANEMIA, cblE TYPE. Identifiers: Orphanet 2169, Orphanet 622, MedGen C1856057, MONDO:0009354, OMIM 236270.
MTRR-related disorder. Also called: MTRR-related condition.

Allele frequency attached by ClinVar (database versions not stated): gnomAD exomes below 0.00001.
gnomAD v4.1: 2 of 1,612,546 alleles (0.00012%); highest among the groups gnomAD compares: Non-Finnish European, 0.00017%; no homozygotes.

Submissions (2):

PreventionGenetics, part of Exact Sciences
Classification: Likely pathogenic for MTRR-related condition. Last evaluated: 2026-08-31. Review status: criteria provided, single submitter. Criteria: ACMG Guidelines, 2015. Collection method: clinical testing. Allele origin: germline.
Comment: The MTRR c.402-2A>G variant is predicted to disrupt the AG splice acceptor site and interfere with normal splicing. To our knowledge, this variant has not been previously reported in literature. This variant has not been reported in a large population database (gnomAD), indicating this variant is rare. Variants that disrupt the consensus splice acceptor site in MTRR are expected to be pathogenic. This variant is interpreted as likely pathogenic.

Labcorp Genetics (formerly Invitae), Labcorp
Classification: Likely pathogenic for Methylcobalamin deficiency type cblE. Last evaluated: 2021-09-24. Review status: criteria provided, single submitter. Criteria: Invitae Variant Classification Sherloc (09022015). Collection method: clinical testing. Allele origin: germline.
Comment: In summary, the currently available evidence indicates that the variant is pathogenic, but additional data are needed to prove that conclusively. Therefore, this variant has been classified as Likely Pathogenic. Algorithms developed to predict the effect of sequence changes on RNA splicing suggest that this variant may disrupt the consensus splice site. This variant has not been reported in the literature in individuals affected with MTRR-related conditions. This variant is not present in population databases (ExAC no frequency). This sequence change affects an acceptor splice site in intron 4 of the MTRR gene. It is expected to disrupt RNA splicing. Variants that disrupt the donor or acceptor splice site typically lead to a loss of protein function (PMID: 16199547), and loss-of-function variants in MTRR are known to be pathogenic (PMID: 15714522).

Literature cited by the submitters: PubMed 16199547 (cited by Labcorp Genetics (formerly Invitae), Labcorp); PubMed 15714522 (cited by Labcorp Genetics (formerly Invitae), Labcorp).